The following is an entry in ClinVar:

ClinVar aggregate classification (germline): Likely benign (1 of 4 stars; one submission).

Submission:

CeGaT Center for Human Genetics Tuebingen
Classification: Likely benign. Last evaluated: 2025-08-01. Review status: criteria provided, single submitter. Criteria: CeGaT Center For Human Genetics Tuebingen Variant Classification Criteria Version 2. Collection method: clinical testing. Allele origin: germline. Affected: yes. Observed: 1 variant allele.
Comment: NF1: PM2:Supporting, BP4, BP7

NM_001042492.3(NF1):c.3918A>G (p.Arg1306=)

Gene: NF1 (neurofibromin 1; plus strand). Cytogenetic location: 17q11.2.
Variant type: single nucleotide variant.
Coding change: c.3918A>G on transcript NM_001042492.3 (MANE Select); coding-DNA position 3918, A replaced by G.
Protein change: p.Arg1306=; no amino-acid change (arginine 1306 retained).
Molecular consequence: synonymous variant.
Genome position (GRCh38, 1-based): chr17:31,235,965, A>G. VCF-style: chr17-31235965-A-G. GRCh37 (hg19) VCF-style: chr17-29562983-A-G.
Other names: c.3918A>G, p.Arg1306= (NM_000267.4).
Identifiers: ClinVar variation 4084245 (VCV004084245.8).